The following is an entry in ClinVar:

ClinVar aggregate classification (germline): Uncertain significance (1 of 4 stars; one submission).

Conditions:
Candidiasis, familial, 6 (CANDF6). Also called: Candidiasis, familial, 6, autosomal dominant. Identifiers: Orphanet 1334, MedGen C3151405, MONDO:0013503, OMIM 613956.

Allele frequency attached by ClinVar (database versions not stated): gnomAD exomes below 0.00001; TOPMed 0.00001.
gnomAD v4.1: 6 of 1,614,214 alleles (0.00037%); highest among the groups gnomAD compares: East Asian, 0.0022%; no homozygotes.

Submission:

Labcorp Genetics (formerly Invitae), Labcorp
Classification: Uncertain significance for Candidiasis, familial, 6. Last evaluated: 2022-09-12. Review status: criteria provided, single submitter. Criteria: Invitae Variant Classification Sherloc (09022015). Collection method: clinical testing. Allele origin: germline.
Comment: This sequence change replaces methionine, which is neutral and non-polar, with valine, which is neutral and non-polar, at codon 70 of the IL17F protein (p.Met70Val). In summary, the available evidence is currently insufficient to determine the role of this variant in disease. Therefore, it has been classified as a Variant of Uncertain Significance. Algorithms developed to predict the effect of missense changes on protein structure and function output the following: SIFT: "Tolerated"; PolyPhen-2: "Benign"; Align-GVGD: "Class C0". The valine amino acid residue is found in multiple mammalian species, which suggests that this missense change does not adversely affect protein function. ClinVar contains an entry for this variant (Variation ID: 1386735). This variant has not been reported in the literature in individuals affected with IL17F-related conditions. This variant is present in population databases (rs764517083, gnomAD 0.0009%).

NM_052872.4(IL17F):c.208A>G (p.Met70Val)

Gene: IL17F (interleukin 17F; minus strand). Cytogenetic location: 6p12.2.
Variant type: single nucleotide variant.
Coding change: c.208A>G on transcript NM_052872.4 (MANE Select); coding-DNA position 208, A replaced by G.
Protein change: p.Met70Val; replaces methionine 70 with valine.
Molecular consequence: missense variant.
Genome position (GRCh38, 1-based): chr6:52,238,776, T>C on the plus strand (A>G on the coding strand, the complement: IL17F is on the minus strand). VCF-style: chr6-52238776-T-C. GRCh37 (hg19) VCF-style: chr6-52103574-T-C.
Other names: short protein forms M70V.
Identifiers: ClinVar variation 1386735 (VCV001386735.6), dbSNP rs764517083, ClinGen allele CA138969980.